The following is an entry in ClinVar:

NM_017617.5(NOTCH1):c.2439C>G (p.Tyr813Ter)

Gene: NOTCH1 (notch receptor 1; minus strand). Cytogenetic location: 9q34.3.
Variant type: single nucleotide variant.
Coding change: c.2439C>G on transcript NM_017617.5 (MANE Select); coding-DNA position 2439, C replaced by G.
Protein change: p.Tyr813Ter; replaces tyrosine 813 with a stop codon.
Molecular consequence: nonsense.
Genome position (GRCh38, 1-based): chr9:136,513,049, G>C on the plus strand (C>G on the coding strand, the complement: NOTCH1 is on the minus strand). VCF-style: chr9-136513049-G-C. GRCh37 (hg19) VCF-style: chr9-139407501-G-C.
Other names: c.2439C>G (NM_017617.3); c.2439C>G, p.Tyr813Ter (LRG_1122t1); short protein forms Y813*.
Identifiers: ClinVar variation 221998 (VCV000221998.3), dbSNP rs1057515422, ClinGen allele CA10602397.

ClinVar aggregate classification (germline): Pathogenic. Review status: criteria provided, single submitter (1 of 4 stars). 2 submissions from 2 submitters: Pathogenic (1). 1 of the submissions does not count toward it. Last evaluated 2025-05-07.

Conditions:
Aortic valve disease 1 (AOVD1). Identifiers: MedGen C3887892, MONDO:0024523, OMIM 109730.

Submissions (2):

GeneDx
Classification: Pathogenic. Last evaluated: 2025-05-07. Review status: criteria provided, single submitter. Criteria: GeneDx Variant Classification Process June 2021. Collection method: clinical testing. Allele origin: germline. Affected: yes.
Comment: Nonsense variant predicted to result in protein truncation or nonsense mediated decay in a gene for which loss of function is a known mechanism of disease; Not observed at significant frequency in large population cohorts (gnomAD); This variant is associated with the following publications: (PMID: 35947102, 27760138)

Andelfinger Lab, Centre de Recherche, CHU Sainte Justine
Classification: Pathogenic for Aortic valve disease 1. Last evaluated: 2015-01-01. Review status: no assertion criteria provided. Collection method: research. Allele origin: germline. Affected: yes. Not counted in ClinVar's aggregate classification.

Literature cited by the submitters: PubMed 27760138 (cited by Andelfinger Lab, Centre de Recherche, CHU Sainte Justine); PubMed 16025100 (cited by Andelfinger Lab, Centre de Recherche, CHU Sainte Justine).